The following is an entry in ClinVar:

NM_024611.6(ICE2):c.768T>C (p.Ala256=)

Gene: ICE2 (interactor of little elongation complex ELL subunit 2; minus strand). Cytogenetic location: 15q22.2.
Variant type: single nucleotide variant.
Coding change: c.768T>C on transcript NM_024611.6 (MANE Select); coding-DNA position 768, T replaced by C.
Protein change: p.Ala256=; no amino-acid change (alanine 256 retained).
Molecular consequence: synonymous variant. On other transcripts: non-coding transcript variant (1).
Genome position (GRCh38, 1-based): chr15:60,455,341, A>G on the plus strand (T>C on the coding strand, the complement: ICE2 is on the minus strand). VCF-style: chr15-60455341-A-G. GRCh37 (hg19) VCF-style: chr15-60747540-A-G.
Other names: c.768T>C, p.Ala256= (NM_001276385.2); c.357T>C (NM_001018089.2); c.357T>C, p.Ala119= (NM_001018089.3).
Identifiers: ClinVar variation 2645386 (VCV002645386.25), dbSNP rs151196206, ClinGen allele CA7593169.

ClinVar aggregate classification (germline): Likely benign. Review status: criteria provided, single submitter (1 of 4 stars). 2 submissions from 2 submitters: Likely benign (1). 1 of the submissions does not count toward it. Last evaluated 2022-07-01.

Conditions:
ICE2-related disorder. Also called: ICE2-related condition.

Allele frequency attached by ClinVar (database versions not stated): 1000 Genomes Project 30x 0.00031; gnomAD exomes 0.00035; 1000 Genomes Project 0.00040; gnomAD 0.00045; ESP Exome Variant Server 0.00054; ExAC 0.00058; TOPMed 0.00058.
gnomAD v4.1: 612 of 1,612,734 alleles (0.038%); highest among the groups gnomAD compares: Middle Eastern, 0.25%; 4 homozygotes.

Submissions (2):

CeGaT Center for Human Genetics Tuebingen
Classification: Likely benign. Last evaluated: 2022-07-01. Review status: criteria provided, single submitter. Criteria: CeGaT Center For Human Genetics Tuebingen Variant Classification Criteria Version 2. Collection method: clinical testing. Allele origin: germline. Affected: yes. Observed: 1 variant allele.
Comment: ICE2: BP4, BP7

PreventionGenetics, part of Exact Sciences
Classification: Likely benign for ICE2-related condition. Last evaluated: 2019-02-28. Review status: no assertion criteria provided. Collection method: clinical testing. Allele origin: germline. Not counted in ClinVar's aggregate classification.
Comment: This variant is classified as likely benign based on ACMG/AMP sequence variant interpretation guidelines (Richards et al. 2015 PMID: 25741868, with internal and published modifications).